The following is an entry in ClinVar:

NM_001102564.3(IFT43):c.452A>G (p.Glu151Gly)

Gene: IFT43 (intraflagellar transport 43; plus strand). Cytogenetic location: 14q24.3.
Variant type: single nucleotide variant.
Coding change: c.452A>G on transcript NM_001102564.3 (MANE Select); coding-DNA position 452, A replaced by G.
Protein change: p.Glu151Gly; replaces glutamic acid 151 with glycine.
Molecular consequence: missense variant. On other transcripts: non-coding transcript variant (2).
Genome position (GRCh38, 1-based): chr14:76,083,234, A>G. VCF-style: chr14-76083234-A-G. GRCh37 (hg19) VCF-style: chr14-76549577-A-G.
Other names: c.467A>G, p.Glu156Gly (NM_052873.3); short protein forms E151G, E156G.
Identifiers: ClinVar variation 1009307 (VCV001009307.9), dbSNP rs2037546432, ClinGen allele CA390474523.
Genomic context (GRCh38, chr14:76,083,234, plus strand): 5'-GCCTGAAAGCCCTCAAGGTGCTCAGCCTGACCTTTTTTTGTTTGCATTCACAGGATGGGG[A>G]GATCGACCTGAAACTCCTCACCAAAGTGCTCGCGCCGGAGCACGAAGTCCGGGAGGTACA-3'
Protein context (NP_001096034.1, residues 141-161): KYSAIQTLDG[Glu151Gly]IDLKLLTKVL

ClinVar aggregate classification (germline): Uncertain significance (1 of 4 stars; one submission).

Allele frequency attached by ClinVar (database versions not stated): gnomAD exomes below 0.00001.
gnomAD v4.1: 2 of 1,614,062 alleles (0.00012%); highest among the groups gnomAD compares: African/African-American, 0.0013%; no homozygotes.

Submission:

Labcorp Genetics (formerly Invitae), Labcorp
Classification: Uncertain significance. Last evaluated: 2024-07-31. Review status: criteria provided, single submitter. Criteria: Invitae Variant Classification Sherloc (09022015). Collection method: clinical testing. Allele origin: germline.
Comment: This sequence change replaces glutamic acid, which is acidic and polar, with glycine, which is neutral and non-polar, at codon 156 of the IFT43 protein (p.Glu156Gly). This variant is not present in population databases (gnomAD no frequency). This variant has not been reported in the literature in individuals affected with IFT43-related conditions. ClinVar contains an entry for this variant (Variation ID: 1009307). An algorithm developed to predict the effect of missense changes on protein structure and function (PolyPhen-2) suggests that this variant is likely to be disruptive. In summary, the available evidence is currently insufficient to determine the role of this variant in disease. Therefore, it has been classified as a Variant of Uncertain Significance.